The following is an entry in ClinVar:

NM_000399.5(EGR2):c.1226G>T (p.Arg409Leu)

Gene: EGR2 (early growth response 2; minus strand). Cytogenetic location: 10q21.3.
Variant type: single nucleotide variant.
Coding change: c.1226G>T on transcript NM_000399.5 (MANE Select); coding-DNA position 1226, G replaced by T.
Protein change: p.Arg409Leu; replaces arginine 409 with leucine.
Molecular consequence: missense variant.
Genome position (GRCh38, 1-based): chr10:62,813,412, C>A on the plus strand (G>T on the coding strand, the complement: EGR2 is on the minus strand). VCF-style: chr10-62813412-C-A. GRCh37 (hg19) VCF-style: chr10-64573172-C-A.
Other names: c.1226G>T, p.Arg409Leu (NM_001136177.3, NM_001136178.2); c.1076G>T, p.Arg359Leu (NM_001136179.3, NM_001321037.2); c.1265G>T, p.Arg422Leu (NM_001410931.1); short protein forms R409L, R422L, R359L.
Identifiers: ClinVar variation 4742743 (VCV004742743.1).

ClinVar aggregate classification (germline): Uncertain significance (1 of 4 stars; one submission).

Conditions:
Charcot-Marie-Tooth disease, type I (CMT1). Also called: Charcot-Marie-Tooth, Type 1; Charcot-Marie-Tooth disease type 1. Identifiers: Orphanet 65753, MedGen C0751036, MONDO:0019011.

Submission:

Labcorp Genetics (formerly Invitae), Labcorp
Classification: Uncertain significance for Charcot-Marie-Tooth disease, type I. Last evaluated: 2025-12-31. Review status: criteria provided, single submitter. Criteria: Invitae Variant Classification Sherloc (09022015). Collection method: clinical testing. Allele origin: germline.
Comment: This sequence change replaces arginine, which is basic and polar, with leucine, which is neutral and non-polar, at codon 409 of the EGR2 protein (p.Arg409Leu). This variant is not present in population databases (gnomAD no frequency). This missense change has been observed in individual(s) with autosomal dominant Charcot-Marie-Tooth disease (internal data). Invitae Evidence Modeling of protein sequence and biophysical properties (such as structural, functional, and spatial information, amino acid conservation, physicochemical variation, residue mobility, and thermodynamic stability) indicates that this missense variant is expected to disrupt EGR2 protein function with a positive predictive value of 80%. This variant disrupts the p.Arg409 amino acid residue in EGR2. Other variant(s) that disrupt this residue have been determined to be pathogenic (PMID: 9537424, 30481651). This suggests that this residue is clinically significant, and that variants that disrupt this residue are likely to be disease-causing. In summary, the available evidence is currently insufficient to determine the role of this variant in disease. Therefore, it has been classified as a Variant of Uncertain Significance.

Literature cited by the submitters: PubMed 9537424; PubMed 30481651.